The following is an entry in ClinVar:

ClinVar aggregate classification (germline): Uncertain significance (1 of 4 stars; one submission).

Submission:

Labcorp Genetics (formerly Invitae), Labcorp
Classification: Uncertain significance. Last evaluated: 2022-03-17. Review status: criteria provided, single submitter. Criteria: Invitae Variant Classification Sherloc (09022015). Collection method: clinical testing. Allele origin: germline.
Comment: This sequence change replaces lysine, which is basic and polar, with threonine, which is neutral and polar, at codon 267 of the KRT2 protein (p.Lys267Thr). This variant is not present in population databases (gnomAD no frequency). This variant has not been reported in the literature in individuals affected with KRT2-related conditions. Algorithms developed to predict the effect of missense changes on protein structure and function (SIFT, PolyPhen-2, Align-GVGD) all suggest that this variant is likely to be disruptive. Algorithms developed to predict the effect of sequence changes on RNA splicing suggest that this variant may create or strengthen a splice site. In summary, the available evidence is currently insufficient to determine the role of this variant in disease. Therefore, it has been classified as a Variant of Uncertain Significance.

NM_000423.3(KRT2):c.800A>C (p.Lys267Thr)

Gene: KRT2 (keratin 2; minus strand). Cytogenetic location: 12q13.13.
Variant type: single nucleotide variant.
Coding change: c.800A>C on transcript NM_000423.3 (MANE Select); coding-DNA position 800, A replaced by C.
Protein change: p.Lys267Thr; replaces lysine 267 with threonine.
Molecular consequence: missense variant.
Genome position (GRCh38, 1-based): chr12:52,650,339, T>G on the plus strand (A>C on the coding strand, the complement: KRT2 is on the minus strand). VCF-style: chr12-52650339-T-G. GRCh37 (hg19) VCF-style: chr12-53044123-T-G.
Other names: short protein forms K267T.
Identifiers: ClinVar variation 1936610 (VCV001936610.5), dbSNP rs2498605635, ClinGen allele CA384937567.